The following is an entry in ClinVar:

NM_000059.4(BRCA2):c.478G>A (p.Val160Ile)

Gene: BRCA2 (BRCA2 DNA repair associated; plus strand). Cytogenetic location: 13q13.1.
Variant type: single nucleotide variant.
Coding change: c.478G>A on transcript NM_000059.4 (MANE Select); coding-DNA position 478, G replaced by A.
Protein change: p.Val160Ile; replaces valine 160 with isoleucine.
Molecular consequence: missense variant.
Genome position (GRCh38, 1-based): chr13:32,326,244, G>A. VCF-style: chr13-32326244-G-A. GRCh37 (hg19) VCF-style: chr13-32900381-G-A.
Other names: short protein forms V160I.
Identifiers: ClinVar variation 1478387 (VCV001478387.11), dbSNP rs147022828, ClinGen allele CA247488534.

ClinVar aggregate classification (germline): Uncertain significance. Review status: criteria provided, multiple submitters, no conflicts (2 of 4 stars). 2 submissions from 2 submitters: Uncertain significance (2). Last evaluated 2025-10-23.

Conditions:
Hereditary cancer-predisposing syndrome. Also called: Tumor predisposition; Hereditary Cancer Syndrome; Hereditary neoplastic syndrome; Neoplastic Syndromes, Hereditary. Identifiers: Orphanet 140162, MedGen C0027672, MeSH D009386, MONDO:0015356.
Hereditary breast ovarian cancer syndrome. Also called: Hereditary breast and ovarian cancer; BRCA1- and BRCA2-Associated Hereditary Breast and Ovarian Cancer; Hereditary breast and ovarian cancer syndrome; Hereditary breast and ovarian cancer syndrome (HBOC); Breast and ovarian cancer; Hereditary breast and/or ovarian cancer syndrome. Identifiers: Orphanet 145, MedGen C0677776, MeSH D061325, MONDO:0003582. Disease mechanism: loss of function.

Allele frequency attached by ClinVar (database versions not stated): TOPMed 0.00001; ESP Exome Variant Server 0.00008.

Submissions (2):

Ambry Genetics
Classification: Uncertain significance for Hereditary cancer-predisposing syndrome. Last evaluated: 2025-10-23. Review status: criteria provided, single submitter. Criteria: Ambry Variant Classification Scheme 2023. Collection method: clinical testing. Allele origin: germline.
Comment: The p.V160I variant (also known as c.478G>A), located in coding exon 5 of the BRCA2 gene, results from a G to A substitution at nucleotide position 478. The valine at codon 160 is replaced by isoleucine, an amino acid with highly similar properties. This amino acid position is not well conserved in available vertebrate species. In addition, this alteration is predicted to be tolerated by in silico analysis. Since supporting evidence is limited at this time, the clinical significance of this alteration remains unclear.

Labcorp Genetics (formerly Invitae), Labcorp
Classification: Uncertain significance for Hereditary breast ovarian cancer syndrome. Last evaluated: 2025-08-07. Review status: criteria provided, single submitter. Criteria: Invitae Variant Classification Sherloc (09022015). Collection method: clinical testing. Allele origin: germline.
Comment: This sequence change replaces valine, which is neutral and non-polar, with isoleucine, which is neutral and non-polar, at codon 160 of the BRCA2 protein (p.Val160Ile). This variant is not present in population databases (gnomAD no frequency). This variant has not been reported in the literature in individuals affected with BRCA2-related conditions. ClinVar contains an entry for this variant (Variation ID: 1478387). An algorithm developed to predict the effect of missense changes on protein structure and function outputs the following: PolyPhen-2: "Benign". The isoleucine amino acid residue is found in multiple mammalian species, which suggests that this missense change does not adversely affect protein function. In summary, the available evidence is currently insufficient to determine the role of this variant in disease. Therefore, it has been classified as a Variant of Uncertain Significance.